The following is an entry in ClinVar:

ClinVar aggregate classification (germline): Uncertain significance (1 of 4 stars; one submission).

Conditions:
Tuberous sclerosis 2 (TSC2). Identifiers: Orphanet 805, MedGen C1860707, MONDO:0013199, OMIM 613254.

Submission:

Labcorp Genetics (formerly Invitae), Labcorp
Classification: Uncertain significance for Tuberous sclerosis 2. Last evaluated: 2022-09-07. Review status: criteria provided, single submitter. Criteria: Invitae Variant Classification Sherloc (09022015). Collection method: clinical testing. Allele origin: germline.
Comment: Advanced modeling of protein sequence and biophysical properties (such as structural, functional, and spatial information, amino acid conservation, physicochemical variation, residue mobility, and thermodynamic stability) performed at Invitae indicates that this missense variant is not expected to disrupt TSC2 protein function. In summary, the available evidence is currently insufficient to determine the role of this variant in disease. Therefore, it has been classified as a Variant of Uncertain Significance. ClinVar contains an entry for this variant (Variation ID: 1007723). This variant has not been reported in the literature in individuals affected with TSC2-related conditions. This variant is not present in population databases (gnomAD no frequency). This sequence change replaces alanine, which is neutral and non-polar, with valine, which is neutral and non-polar, at codon 1560 of the TSC2 protein (p.Ala1560Val).

NM_000548.5(TSC2):c.4679C>T (p.Ala1560Val)

Gene: TSC2 (TSC complex subunit 2; plus strand). Cytogenetic location: 16p13.3.
Variant type: single nucleotide variant.
Coding change: c.4679C>T on transcript NM_000548.5 (MANE Select); coding-DNA position 4679, C replaced by T.
Protein change: p.Ala1560Val; replaces alanine 1560 with valine.
Molecular consequence: missense variant.
Genome position (GRCh38, 1-based): chr16:2,086,209, C>T. VCF-style: chr16-2086209-C-T. GRCh37 (hg19) VCF-style: chr16-2136210-C-T.
Other names: c.4610C>T, p.Ala1537Val (NM_001114382.3); c.4370C>T, p.Ala1457Val (NM_001318827.2); c.4334C>T, p.Ala1445Val (NM_001318829.2); c.3947C>T, p.Ala1316Val (NM_001318831.2); c.4511C>T, p.Ala1504Val (NM_001318832.2); c.4481C>T, p.Ala1494Val (NM_001363528.2); c.4547C>T, p.Ala1516Val (NM_001370404.1); c.4550C>T, p.Ala1517Val (NM_001370405.1, NM_021055.3); and 1 more; short protein forms A1316V, A1445V, A1457V, A1493V, A1494V, A1504V, A1516V, A1517V.
Identifiers: ClinVar variation 1007723 (VCV001007723.6), dbSNP rs2090766850, ClinGen allele CA394307005.
Genomic context (GRCh38, chr16:2,086,209, plus strand): 5'-CGGCCCGGGAGTGATGCCACCCTGCCTCTCCCCTCTCCCCACAGAGCAACAGCGAGCTCG[C>T]CATCCTGTCCAATGAGCATGGCTCCTACAGGTACACGGAGTTCCTGACGGGCCTGGGCCG-3'
Protein context (NP_000539.2, residues 1550-1570): VGEGQSNSEL[Ala1560Val]ILSNEHGSYR